The following is an entry in ClinVar:

ClinVar aggregate classification (germline): Likely pathogenic (1 of 4 stars; one submission).

Conditions:
Spinocerebellar ataxia type 14 (SCA14). Identifiers: Orphanet 98763, MedGen C1854369, MONDO:0011540, OMIM 605361.

Submission:

Adult Rare Diseases, Centro de Referencia Nacional de Defectos Congénitos Y Enfermedades Raras
Classification: Likely pathogenic for Spinocerebellar ataxia type 14. Last evaluated: 2025-07-16. Review status: criteria provided, single submitter. Criteria: ACMG Guidelines, 2015. Collection method: clinical testing. Allele origin: paternal. Inheritance: Sporadic. Affected: yes. Observed: 1 heterozygote.
Comment: The NM_002739.5(PRKCG):c.402C>G; p.(Cys134Trp) variant results in the substitution of a cysteine for a tryptophan at position 134 of the protein. It is absent from population databases, indicating that it is not a common benign polymorphism. Additionally, the impact of this variant on protein function is predicted to be damaging by multiple in silico prediction tools. A variant affecting the same residue has been described in ClinVar (ID: VCV001076161.9) — c.401_402delinsTT, p.(Cys134Phe) — and has been classified as likely pathogenic, supporting the potential pathogenicity of the variant in question. According to the most recent ACMG guidelines, the variant detected in the PRKCG gene is classified as a variant of uncertain clinical significance (VUS). For all these reasons, we consider this to be a previously undescribed variant that is likely pathogenic.

NM_002739.5(PRKCG):c.402C>G (p.Cys134Trp)

Gene: PRKCG (protein kinase C gamma; plus strand). Cytogenetic location: 19q13.42.
Variant type: single nucleotide variant.
Coding change: c.402C>G on transcript NM_002739.5 (MANE Select); coding-DNA position 402, C replaced by G.
Protein change: p.Cys134Trp; replaces cysteine 134 with tryptophan.
Molecular consequence: missense variant.
Genome position (GRCh38, 1-based): chr19:53,889,890, C>G. VCF-style: chr19-53889890-C-G. GRCh37 (hg19) VCF-style: chr19-54393144-C-G.
Other names: c.402C>G, p.Cys134Trp (NM_001316329.2); short protein forms C134W.
Identifiers: ClinVar variation 4074719 (VCV004074719.1).